The following is an entry in ClinVar:

NM_003482.4(KMT2D):c.3409C>A (p.Pro1137Thr)

Gene: KMT2D (lysine methyltransferase 2D; minus strand). Cytogenetic location: 12q13.12.
Variant type: single nucleotide variant.
Coding change: c.3409C>A on transcript NM_003482.4 (MANE Select); coding-DNA position 3409, C replaced by A.
Protein change: p.Pro1137Thr; replaces proline 1137 with threonine.
Molecular consequence: missense variant.
Genome position (GRCh38, 1-based): chr12:49,050,179, G>T on the plus strand (C>A on the coding strand, the complement: KMT2D is on the minus strand). VCF-style: chr12-49050179-G-T. GRCh37 (hg19) VCF-style: chr12-49443962-G-T.
Other names: short protein forms P1137T.
Identifiers: ClinVar variation 1800497 (VCV001800497.1), dbSNP rs1369087396, ClinGen allele CA384656841.

ClinVar aggregate classification (germline): Uncertain significance (1 of 4 stars; one submission).

Submission:

GeneDx
Classification: Uncertain significance. Last evaluated: 2022-05-17. Review status: criteria provided, single submitter. Criteria: GeneDx Variant Classification Process June 2021. Collection method: clinical testing. Allele origin: germline. Affected: yes.
Comment: Not observed at significant frequency in large population cohorts (gnomAD); In silico analysis supports that this missense variant does not alter protein structure/function; Has not been previously published as pathogenic or benign to our knowledge